The following is an entry in ClinVar:

NM_177438.3(DICER1):c.3208C>G (p.Leu1070Val)

Gene: DICER1 (dicer 1, ribonuclease III; minus strand). Cytogenetic location: 14q32.13.
Variant type: single nucleotide variant.
Coding change: c.3208C>G on transcript NM_177438.3 (MANE Select); coding-DNA position 3208, C replaced by G.
Protein change: p.Leu1070Val; replaces leucine 1070 with valine.
Molecular consequence: missense variant.
Genome position (GRCh38, 1-based): chr14:95,105,132, G>C on the plus strand (C>G on the coding strand, the complement: DICER1 is on the minus strand). VCF-style: chr14-95105132-G-C. GRCh37 (hg19) VCF-style: chr14-95571469-G-C.
Other names: c.3208C>G, p.Leu1070Val (NM_001195573.1, NM_001271282.3, NM_001291628.2 and 1 more transcripts); short protein forms L1070V.
Identifiers: ClinVar variation 933112 (VCV000933112.2), dbSNP rs1891296613, ClinGen allele CA390876514.

ClinVar aggregate classification (germline): Uncertain significance (1 of 4 stars; one submission).

Submission:

Foulkes Cancer Genetics LDI, Lady Davis Institute for Medical Research
Classification: Uncertain significance. Last evaluated: 2019-07-01. Review status: criteria provided, single submitter. Criteria: ACMG Guidelines, 2015. Collection method: curation. Allele origin: somatic. Affected: yes. Observed: 1 variant allele.
Comment: ACMG criteria met: PM2, BP1

Literature cited by the submitters: PubMed 28524158.